The following is an entry in ClinVar:

NM_004944.4(DNASE1L3):c.115A>G (p.Lys39Glu)

Gene: DNASE1L3 (deoxyribonuclease 1L3; minus strand). Cytogenetic location: 3p14.3.
Variant type: single nucleotide variant.
Coding change: c.115A>G on transcript NM_004944.4 (MANE Select); coding-DNA position 115, A replaced by G.
Protein change: p.Lys39Glu; replaces lysine 39 with glutamic acid.
Molecular consequence: missense variant.
Genome position (GRCh38, 1-based): chr3:58,210,792, T>C on the plus strand (A>G on the coding strand, the complement: DNASE1L3 is on the minus strand). VCF-style: chr3-58210792-T-C. GRCh37 (hg19) VCF-style: chr3-58196519-T-C.
Other names: p.Lys39Glu; c.115A>G, p.Lys39Glu (NM_001256560.2); short protein forms K39E.
Identifiers: ClinVar variation 1410671 (VCV001410671.8), dbSNP rs1456163008, ClinGen allele CA353341672.
Genomic context (GRCh38, chr3:58,210,792, plus strand): 5'-TGTCTGGGATCCTCCTCCCAGGAAAGGGGCTCACCTTCACAATGACATCCATGGCATTCT[T>C]GTCTTCCTGCTTGCTTTCCCCAAAGGACCTGACGTTGAAGGAGCAGATCCTCATGGCCAG-3'
Protein context (NP_004935.1, residues 29-49): RSFGESKQED[Lys39Glu]NAMDVIVKVI

ClinVar aggregate classification (germline): Uncertain significance. Review status: criteria provided, multiple submitters, no conflicts (2 of 4 stars). 3 submissions from 3 submitters: Uncertain significance (3). Last evaluated 2025-09-24.

Conditions:
Autosomal systemic lupus erythematosus type 16. Also called: Systemic lupus erythematosus 16. Identifiers: Orphanet 300345, MedGen C3280742, MONDO:0013743, OMIM 614420.

Allele frequency attached by ClinVar (database versions not stated): TOPMed below 0.00001; gnomAD 0.00001.
gnomAD v4.1: 3 of 1,614,046 alleles (0.00019%); highest among the groups gnomAD compares: African/African-American, 0.0013%; no homozygotes.

Submissions (3):

Mayo Clinic Laboratories, Mayo Clinic
Classification: Uncertain significance. Last evaluated: 2025-09-24. Review status: criteria provided, single submitter. Criteria: ACMG Guidelines, 2015. Collection method: clinical testing. Allele origin: germline. Observed: 1 variant allele.
Comment: BP4_moderate, PM2_supporting

Fulgent Genetics
Classification: Uncertain significance for Autosomal systemic lupus erythematosus type 16. Last evaluated: 2021-11-09. Review status: criteria provided, single submitter. Criteria: ACMG Guidelines, 2015. Collection method: clinical testing. Allele origin: unknown.

Labcorp Genetics (formerly Invitae), Labcorp
Classification: Uncertain significance. Last evaluated: 2021-11-09. Review status: criteria provided, single submitter. Criteria: Invitae Variant Classification Sherloc (09022015). Collection method: clinical testing. Allele origin: germline.
Comment: This sequence change replaces lysine, which is basic and polar, with glutamic acid, which is acidic and polar, at codon 39 of the DNASE1L3 protein (p.Lys39Glu). This variant is not present in population databases (gnomAD no frequency). This variant has not been reported in the literature in individuals affected with DNASE1L3-related conditions. Algorithms developed to predict the effect of missense changes on protein structure and function (SIFT, PolyPhen-2, Align-GVGD) all suggest that this variant is likely to be tolerated. In summary, the available evidence is currently insufficient to determine the role of this variant in disease. Therefore, it has been classified as a Variant of Uncertain Significance.